The following is an entry in ClinVar:

NM_002532.6(NUP88):c.1644-36G>A

Gene: NUP88 (nucleoporin 88; minus strand). Cytogenetic location: 17p13.2.
Variant type: single nucleotide variant.
Coding change: c.1644-36G>A on transcript NM_002532.6 (MANE Select); 36 bases into the intron before coding-DNA position 1644, G replaced by A.
Molecular consequence: intron variant. On other transcripts: synonymous variant (1).
Genome position (GRCh38, 1-based): chr17:5,387,940, C>T on the plus strand (G>A on the coding strand, the complement: NUP88 is on the minus strand). VCF-style: chr17-5387940-C-T. GRCh37 (hg19) VCF-style: chr17-5291260-C-T.
Other names: c.1656G>A, p.Gln552= (NM_001320653.2).
Identifiers: ClinVar variation 3043635 (VCV003043635.2), dbSNP rs183654255, ClinGen allele CA8324176.

ClinVar aggregate classification (germline): Likely benign (0 of 4 stars; one submission).

Conditions:
NUP88-related disorder. Also called: NUP88-related condition.

Allele frequency attached by ClinVar (database versions not stated): ESP Exome Variant Server 0.00154; TOPMed 0.00161; gnomAD 0.00166; 1000 Genomes Project 0.00280; 1000 Genomes Project 30x 0.00281; gnomAD exomes 0.00017; ExAC 0.00050.
gnomAD v4.1: 457 of 1,566,042 alleles (0.029%); highest among the groups gnomAD compares: African/African-American, 0.62%; 2 homozygotes.

Submission:

PreventionGenetics, part of Exact Sciences
Classification: Likely benign for NUP88-related condition. Last evaluated: 2019-06-04. Review status: no assertion criteria provided. Collection method: clinical testing. Allele origin: germline.
Comment: This variant is classified as likely benign based on ACMG/AMP sequence variant interpretation guidelines (Richards et al. 2015 PMID: 25741868, with internal and published modifications).